The following is an entry in ClinVar:

ClinVar aggregate classification (germline): Uncertain significance (1 of 4 stars; one submission).

gnomAD v4.1: 2 of 1,596,204 alleles (0.00013%); highest among the groups gnomAD compares: African/African-American, 0.0027%; no homozygotes.

Submission:

Ambry Genetics
Classification: Uncertain significance. Last evaluated: 2026-06-15. Review status: criteria provided, single submitter. Criteria: Ambry Variant Classification Scheme 2023. Collection method: clinical testing. Allele origin: germline.
Comment: The c.9521C>T (p.A3174V) alteration is located in exon 57 (coding exon 56) of the SPTBN5 gene. This alteration results from a C to T substitution at nucleotide position 9521, causing the alanine (A) at amino acid position 3174 to be replaced by a valine (V). Based on data from gnomAD, the T allele has an overall frequency of 0.003% (1/31400) total alleles studied. The highest observed frequency was 0.012% (1/8710) of African alleles. Based on insufficient or conflicting evidence, the clinical significance of this alteration remains unclear.

NM_016642.4(SPTBN5):c.9626C>T (p.Ala3209Val)

Gene: SPTBN5 (spectrin beta, non-erythrocytic 5; minus strand). Cytogenetic location: 15q15.1.
Variant type: single nucleotide variant.
Coding change: c.9626C>T on transcript NM_016642.4 (MANE Select); coding-DNA position 9626, C replaced by T.
Protein change: p.Ala3209Val; replaces alanine 3209 with valine.
Molecular consequence: missense variant.
Genome position (GRCh38, 1-based): chr15:41,854,198, G>A on the plus strand (C>T on the coding strand, the complement: SPTBN5 is on the minus strand). VCF-style: chr15-41854198-G-A. GRCh37 (hg19) VCF-style: chr15-42146396-G-A.
Other names: short protein forms A3209V.
Identifiers: ClinVar variation 5030201 (VCV005030201.1).